The following is an entry in ClinVar:

ClinVar aggregate classification (germline): Uncertain significance. Review status: criteria provided, multiple submitters, no conflicts (2 of 4 stars). 3 submissions from 3 submitters: Uncertain significance (3). Last evaluated 2025-11-25.

Conditions:
Brachydactyly type B1 (BDB1). Identifiers: Orphanet 572385, Orphanet 93383, MedGen C1862112, MONDO:0007220, OMIM 113000.
Autosomal recessive Robinow syndrome (RRS1). Also called: ROR2-Related Robinow Syndrome; ROBINOW SYNDROME, AUTOSOMAL RECESSIVE 1; COSTOVERTEBRAL SEGMENTATION DEFECT WITH MESOMELIA; COVESDEM SYNDROME. Identifiers: Orphanet 1507, Orphanet 97360, MedGen C5399974, MONDO:0009999, OMIM 268310.
Inborn genetic diseases. Identifiers: MedGen C0950123, MeSH D030342.

Allele frequency attached by ClinVar (database versions not stated): gnomAD exomes below 0.00001; gnomAD 0.00003 and 0.00004; TOPMed 0.00013; 1000 Genomes Project 30x 0.00016; 1000 Genomes Project 0.00020.
gnomAD v4.1: 9 of 1,614,022 alleles (0.00056%); highest among the groups gnomAD compares: Admixed American, 0.0083%; no homozygotes.

Submissions (3):

Labcorp Genetics (formerly Invitae), Labcorp
Classification: Uncertain significance. Last evaluated: 2025-11-25. Review status: criteria provided, single submitter. Criteria: Invitae Variant Classification Sherloc (09022015). Collection method: clinical testing. Allele origin: germline.
Comment: This sequence change falls in intron 2 of the ROR2 gene. It does not directly change the encoded amino acid sequence of the ROR2 protein. It affects a nucleotide within the consensus splice site. This variant is not present in population databases (gnomAD no frequency). This variant has not been reported in the literature in individuals affected with ROR2-related conditions. ClinVar contains an entry for this variant (Variation ID: 1377629). Variants that disrupt the consensus splice site are a relatively common cause of aberrant splicing (PMID: 17576681, 9536098). Algorithms developed to predict the effect of sequence changes on RNA splicing suggest that this variant is not likely to affect RNA splicing. In summary, the available evidence is currently insufficient to determine the role of this variant in disease. Therefore, it has been classified as a Variant of Uncertain Significance.

Ambry Genetics
Classification: Uncertain significance for Inborn genetic diseases. Last evaluated: 2022-01-16. Review status: criteria provided, single submitter. Criteria: Ambry Variant Classification Scheme 2023. Collection method: clinical testing. Allele origin: germline.
Comment: The c.175+3G>T intronic alteration consists of a G to T substitution nucleotides after coding exon 2 in the ROR2 gene. Based on insufficient or conflicting evidence, the clinical significance of this alteration remains unclear.

Fulgent Genetics
Classification: Uncertain significance for Brachydactyly type B1; Autosomal recessive Robinow syndrome. Last evaluated: 2021-10-18. Review status: criteria provided, single submitter. Criteria: ACMG Guidelines, 2015. Collection method: clinical testing. Allele origin: unknown.

Literature cited by the submitters: PubMed 17576681 (cited by Labcorp Genetics (formerly Invitae), Labcorp); PubMed 9536098 (cited by Labcorp Genetics (formerly Invitae), Labcorp).

NM_004560.4(ROR2):c.175+3G>T

Gene: ROR2 (receptor tyrosine kinase like orphan receptor 2; minus strand). Cytogenetic location: 9q22.31.
Variant type: single nucleotide variant.
Coding change: c.175+3G>T on transcript NM_004560.4 (MANE Select); 3 bases into the intron after coding-DNA position 175, G replaced by T.
Molecular consequence: intron variant.
Genome position (GRCh38, 1-based): chr9:91,775,738, C>A on the plus strand (G>T on the coding strand, the complement: ROR2 is on the minus strand). VCF-style: chr9-91775738-C-A. GRCh37 (hg19) VCF-style: chr9-94538020-C-A.
Other names: c.175+3G>T (NM_001318204.2, NM_004560.3).
Identifiers: ClinVar variation 1377629 (VCV001377629.8), dbSNP rs557936422, ClinGen allele CA195977520.
Genomic context (GRCh38, chr9:91,775,738, plus strand): 5'-CAAGATGAGCCTCAGCACAGGGCATTTGGAGGACATGGAGAGCACCTGCATGTCCCAGCT[C>A]ACCTTTCAGAGTTGGAATCGGGCCGTCCTGCCCATCAAGGGGTCCTAAAGGGTCGTTCGG-3'